The following is an entry in ClinVar:

NM_000368.5(TSC1):c.1439-20_1439-9del

Gene: TSC1 (TSC complex subunit 1; minus strand). Cytogenetic location: 9q34.13.
Variant type: Deletion.
Coding change: c.1439-20_1439-9del on transcript NM_000368.5 (MANE Select); 20 bases into the intron before coding-DNA position 1439 through 9 bases into the intron before coding-DNA position 1439, 12 bases deleted (GTTTCCTCTCTT).
Molecular consequence: intron variant.
Genome position (GRCh38, 1-based): chr9:132,906,148-132,906,159, AAGAGAGGAAAC deleted on the plus strand (GTTTCCTCTCTT on the coding strand, the reverse complement: TSC1 is on the minus strand); deleting any 12 consecutive bases within chr9:132,906,148-132,906,161 gives the same sequence; the c. name uses the placement nearest the transcript's 3' end. VCF-style (leftmost placement, unchanged base first): chr9-132906147-GAAGAGAGGAAAC-G. GRCh37 (hg19) VCF-style: chr9-135781534-GAAGAGAGGAAAC-G.
Other names: c.1439-20_1439-9delGTTTCCTCTCTT (NM_000368.4); c.1076-20_1076-9del (NM_001362177.2); c.1286-20_1286-9del (NM_001162427.2); c.1436-20_1436-9del (NM_001162426.2).
Identifiers: ClinVar variation 416673 (VCV000416673.13), dbSNP rs1064792996, ClinGen allele CA16612463.
Genomic context (GRCh38, chr9:132,906,147, plus strand): 5'-CACAGGCTCTGCCTCTGCTGTGGTGATCTCAGAAAGTTCTCTAGATATTGCAGCTGAGAG[GAAGAGAGGAAAC>G]AAAAGAAATGGCAGTCGGTATTCCACCTGGGAAAGACTAGGCAGTTTGGGTGGCATGCTG-3'

ClinVar aggregate classification (germline): Conflicting classifications of pathogenicity. Review status: criteria provided, conflicting classifications (1 of 4 stars). 2 submissions from 2 submitters: Uncertain significance (1); Likely benign (1). Last evaluated 2025-05-27.

Conditions:
Tuberous sclerosis syndrome (TSC). Also called: Tuberous Sclerosis Complex; Tuberous sclerosis. Identifiers: Orphanet 805, MedGen C0041341, MONDO:0001734.
Tuberous sclerosis 1 (TSC1). Identifiers: Orphanet 805, MedGen C1854465, MONDO:0008612, OMIM 191100.

Submissions (2):

Labcorp Genetics (formerly Invitae), Labcorp
Classification: Likely benign for Tuberous sclerosis 1. Last evaluated: 2025-05-27. Review status: criteria provided, single submitter. Criteria: Invitae Variant Classification Sherloc (09022015). Collection method: clinical testing. Allele origin: germline.

All of Us Research Program, National Institutes of Health
Classification: Uncertain significance for Tuberous sclerosis syndrome. Last evaluated: 2024-07-10. Review status: criteria provided, single submitter. Criteria: ACMG Guidelines, 2015. Collection method: clinical testing. Allele origin: germline. Inheritance: Autosomal dominant inheritance. Observed: 2 variant alleles, 2 heterozygotes.
Comment: This variant causes deletion of 12 nucleotides in the acceptor region of intron 14 of the TSC1 gene. To our knowledge, RNA studies have not been reported for this variant. This variant has not been reported in individuals affected with TSC1-related disorders in the literature. This variant has not been identified in the general population by the Genome Aggregation Database (gnomAD). The available evidence is insufficient to determine the role of this variant in disease conclusively. Therefore, this variant is classified as a Variant of Uncertain Significance.

This study involves interpretation of variants in research participants for the purpose of population health screening. Participant phenotype was not available at the time of variant classification. Additional details can be found in publication PMID: 35346344, PMCID: PMC8962531